The following is an entry in ClinVar:

ClinVar aggregate classification (germline): Conflicting classifications of pathogenicity. Review status: criteria provided, conflicting classifications (1 of 4 stars). 5 submissions from 5 submitters: Uncertain significance (3); Likely benign (2). Last evaluated 2025-04-08.

Conditions:
Hereditary breast ovarian cancer syndrome. Also called: BRCA1- and BRCA2-Associated Hereditary Breast and Ovarian Cancer; Hereditary breast and ovarian cancer syndrome; Hereditary breast and/or ovarian cancer syndrome; Hereditary breast and ovarian cancer; Hereditary breast and ovarian cancer syndrome (HBOC); Breast and ovarian cancer. Identifiers: Orphanet 145, MedGen C0677776, MeSH D061325, MONDO:0003582. Disease mechanism: loss of function.
Hereditary cancer-predisposing syndrome. Also called: Tumor predisposition; Neoplastic Syndromes, Hereditary; Hereditary Cancer Syndrome; Hereditary neoplastic syndrome. Identifiers: Orphanet 140162, MedGen C0027672, MeSH D009386, MONDO:0015356.

Submissions (5):

Labcorp Genetics (formerly Invitae), Labcorp
Classification: Uncertain significance for Hereditary breast ovarian cancer syndrome. Last evaluated: 2025-04-08. Review status: criteria provided, single submitter. Criteria: Invitae Variant Classification Sherloc (09022015). Collection method: clinical testing. Allele origin: germline.
Comment: This sequence change replaces leucine, which is neutral and non-polar, with valine, which is neutral and non-polar, at codon 857 of the BRCA2 protein (p.Leu857Val). This variant is not present in population databases (gnomAD no frequency). This variant has not been reported in the literature in individuals affected with BRCA2-related conditions. ClinVar contains an entry for this variant (Variation ID: 801099). Invitae Evidence Modeling of protein sequence and biophysical properties (such as structural, functional, and spatial information, amino acid conservation, physicochemical variation, residue mobility, and thermodynamic stability) indicates that this missense variant is not expected to disrupt BRCA2 protein function with a negative predictive value of 95%. In summary, the available evidence is currently insufficient to determine the role of this variant in disease. Therefore, it has been classified as a Variant of Uncertain Significance.

Ambry Genetics
Classification: Likely benign for Hereditary cancer-predisposing syndrome. Last evaluated: 2024-04-10. Review status: criteria provided, single submitter. Criteria: Ambry Variant Classification Scheme 2023. Collection method: clinical testing. Allele origin: germline.

Color Diagnostics, LLC DBA Color Health
Classification: Uncertain significance for Hereditary cancer-predisposing syndrome. Last evaluated: 2023-12-14. Review status: criteria provided, single submitter. Criteria: ACMG Guidelines, 2015. Collection method: clinical testing. Allele origin: germline.
Comment: This missense variant replaces leucine with valine at codon 857 of the BRCA2 protein. Computational prediction suggests that this variant may not impact protein structure and function (internally defined REVEL score threshold <= 0.5, PMID: 27666373). To our knowledge, functional studies have not been reported for this variant. This variant has not been reported in individuals affected with BRCA2-related disorders in the literature. This variant has not been identified in the general population by the Genome Aggregation Database (gnomAD). The available evidence is insufficient to determine the role of this variant in disease conclusively. Therefore, this variant is classified as a Variant of Uncertain Significance.

University of Washington Department of Laboratory Medicine, University of Washington
Classification: Likely benign for Hereditary cancer-predisposing syndrome. Last evaluated: 2023-03-23. Review status: criteria provided, single submitter. Criteria: Dines et al. (Genet Med. 2020). Collection method: curation. Allele origin: germline.
Comment: Missense variant in a coldspot region where missense variants are very unlikely to be pathogenic (PMID:31911673).

BRCA2 exon 11 coldspot. Reclassification based on statistical prior probability.

Quest Diagnostics Nichols Institute San Juan Capistrano
Classification: Uncertain significance. Last evaluated: 2018-10-31. Review status: criteria provided, single submitter. Criteria: Quest Diagnostics criteria. Collection method: clinical testing. Allele origin: germline.

NM_000059.4(BRCA2):c.2569C>G (p.Leu857Val)

Gene: BRCA2 (BRCA2 DNA repair associated; plus strand). Cytogenetic location: 13q13.1.
Variant type: single nucleotide variant.
Coding change: c.2569C>G on transcript NM_000059.4 (MANE Select); coding-DNA position 2569, C replaced by G.
Protein change: p.Leu857Val; replaces leucine 857 with valine.
Molecular consequence: missense variant.
Genome position (GRCh38, 1-based): chr13:32,336,924, C>G. VCF-style: chr13-32336924-C-G. GRCh37 (hg19) VCF-style: chr13-32911061-C-G.
Other names: short protein forms L857V.
Identifiers: ClinVar variation 801099 (VCV000801099.14), dbSNP rs767596766, ClinGen allele CA387772566.